The following is an entry in ClinVar:

ClinVar aggregate classification (germline): Likely benign (0 of 4 stars; one submission).

Conditions:
DNAJC13-related disorder. Also called: DNAJC13-related condition.

Allele frequency attached by ClinVar (database versions not stated): ExAC 0.00004; gnomAD 0.00027; TOPMed 0.00072; 1000 Genomes Project 0.00120; 1000 Genomes Project 30x 0.00125.
gnomAD v4.1: 85 of 1,612,660 alleles (0.0053%); highest among the groups gnomAD compares: Admixed American, 0.11%; no homozygotes.

Submission:

PreventionGenetics, part of Exact Sciences
Classification: Likely benign for DNAJC13-related condition. Last evaluated: 2019-02-25. Review status: no assertion criteria provided. Collection method: clinical testing. Allele origin: germline.
Comment: This variant is classified as likely benign based on ACMG/AMP sequence variant interpretation guidelines (Richards et al. 2015 PMID: 25741868, with internal and published modifications).

NM_015268.4(DNAJC13):c.3585A>G (p.Glu1195=)

Gene: DNAJC13 (DnaJ heat shock protein family (Hsp40) member C13; plus strand). Cytogenetic location: 3q22.1.
Variant type: single nucleotide variant.
Coding change: c.3585A>G on transcript NM_015268.4 (MANE Select); coding-DNA position 3585, A replaced by G.
Protein change: p.Glu1195=; no amino-acid change (glutamic acid 1195 retained).
Molecular consequence: synonymous variant.
Genome position (GRCh38, 1-based): chr3:132,491,013, A>G. VCF-style: chr3-132491013-A-G. GRCh37 (hg19) VCF-style: chr3-132209857-A-G.
Other names: c.3600A>G, p.Glu1200= (NM_001329126.2).
Identifiers: ClinVar variation 3046891 (VCV003046891.2), dbSNP rs187414994, ClinGen allele CA2619310.